The following is an entry in ClinVar:

ClinVar aggregate classification (germline): Conflicting classifications of pathogenicity. Review status: criteria provided, conflicting classifications (1 of 4 stars). 6 submissions from 5 submitters: Uncertain significance (4); Benign (1); Likely benign (1). Last evaluated 2025-12-15.

Conditions:
Brachydactyly type B1 (BDB1). Identifiers: Orphanet 572385, Orphanet 93383, MedGen C1862112, MONDO:0007220, OMIM 113000.
Autosomal recessive Robinow syndrome (RRS1). Also called: ROR2-Related Robinow Syndrome; ROBINOW SYNDROME, AUTOSOMAL RECESSIVE 1; COSTOVERTEBRAL SEGMENTATION DEFECT WITH MESOMELIA; COVESDEM SYNDROME. Identifiers: Orphanet 1507, Orphanet 97360, MedGen C5399974, MONDO:0009999, OMIM 268310.

Allele frequency attached by ClinVar (database versions not stated): 1000 Genomes Project 30x 0.00016; 1000 Genomes Project 0.00020; ExAC 0.00030; gnomAD exomes 0.00031; gnomAD 0.00037 and 0.00038; TOPMed 0.00037; ESP Exome Variant Server 0.00038.
gnomAD v4.1: 709 of 1,613,894 alleles (0.044%); highest among the groups gnomAD compares: Non-Finnish European, 0.056%; 1 homozygote.

Submissions (6):

Labcorp Genetics (formerly Invitae), Labcorp
Classification: Uncertain significance. Last evaluated: 2025-12-15. Review status: criteria provided, single submitter. Criteria: Invitae Variant Classification Sherloc (09022015). Collection method: clinical testing. Allele origin: germline.
Comment: This sequence change replaces aspartic acid, which is acidic and polar, with glycine, which is neutral and non-polar, at codon 895 of the ROR2 protein (p.Asp895Gly). This variant is present in population databases (rs149826387, gnomAD 0.06%). This variant has not been reported in the literature in individuals affected with ROR2-related conditions. ClinVar contains an entry for this variant (Variation ID: 287327). An algorithm developed to predict the effect of missense changes on protein structure and function (PolyPhen-2) suggests that this variant is likely to be tolerated. In summary, the available evidence is currently insufficient to determine the role of this variant in disease. Therefore, it has been classified as a Variant of Uncertain Significance.

Blueprint Genetics
Classification: Likely benign. Last evaluated: 2024-10-22. Review status: criteria provided, single submitter. Criteria: ACMG Guidelines, 2015. Collection method: clinical testing. Allele origin: germline.

GeneDx
Classification: Uncertain significance. Last evaluated: 2022-12-19. Review status: criteria provided, single submitter. Criteria: GeneDx Variant Classification Process June 2021. Collection method: clinical testing. Allele origin: germline. Affected: yes.
Comment: Has not been previously published as pathogenic or benign to our knowledge; In silico analysis, which includes protein predictors and evolutionary conservation, supports that this variant does not alter protein structure/function

Illumina Laboratory Services, Illumina
Classification: Benign for Brachydactyly type B1. Last evaluated: 2018-01-13. Review status: criteria provided, single submitter. Criteria: ICSL Variant Classification Criteria 13 December 2019. Collection method: clinical testing. Allele origin: germline.
Comment: This variant was observed in the ICSL laboratory as part of a predisposition screen in an ostensibly healthy population. It had not been previously curated by ICSL or reported in the Human Gene Mutation Database (HGMD: prior to June 1st, 2018), and was therefore a candidate for classification through an automated scoring system. Utilizing variant allele frequency, disease prevalence and penetrance estimates, and inheritance mode, an automated score was calculated to assess if this variant is too frequent to cause the disease. Based on the score and internal cut-off values, a variant classified as benign is not then subjected to further curation. The score for this variant resulted in a classification of benign for this disease.

Illumina Laboratory Services, Illumina
Classification: Uncertain significance for Autosomal recessive Robinow syndrome. Last evaluated: 2018-01-13. Review status: criteria provided, single submitter. Criteria: ICSL Variant Classification Criteria 13 December 2019. Collection method: clinical testing. Allele origin: germline.

Eurofins Ntd Llc (ga)
Classification: Uncertain significance. Last evaluated: 2016-04-26. Review status: criteria provided, single submitter. Criteria: EGL Classification Definitions 2015. Collection method: clinical testing. Allele origin: germline. Observed: 1 variant allele, 1 heterozygote.

NM_004560.4(ROR2):c.2684A>G (p.Asp895Gly)

Gene: ROR2 (ROR family WNT receptor 2; minus strand). Cytogenetic location: 9q22.31.
Variant type: single nucleotide variant.
Coding change: c.2684A>G on transcript NM_004560.4 (MANE Select); coding-DNA position 2684, A replaced by G.
Protein change: p.Asp895Gly; replaces aspartic acid 895 with glycine.
Molecular consequence: missense variant.
Genome position (GRCh38, 1-based): chr9:91,723,810, T>C on the plus strand (A>G on the coding strand, the complement: ROR2 is on the minus strand). VCF-style: chr9-91723810-T-C. GRCh37 (hg19) VCF-style: chr9-94486092-T-C.
Other names: short protein forms D895G.
Identifiers: ClinVar variation 287327 (VCV000287327.18), dbSNP rs149826387, ClinGen allele CA5120335.